The following is an entry in ClinVar:

NM_199355.4(ADAMTS18):c.2795C>T (p.Pro932Leu)

Gene: ADAMTS18 (ADAM metallopeptidase with thrombospondin type 1 motif 18; minus strand). Cytogenetic location: 16q23.1.
Variant type: single nucleotide variant.
Coding change: c.2795C>T on transcript NM_199355.4 (MANE Select); coding-DNA position 2795, C replaced by T.
Protein change: p.Pro932Leu; replaces proline 932 with leucine.
Molecular consequence: missense variant.
Genome position (GRCh38, 1-based): chr16:77,297,295, G>A on the plus strand (C>T on the coding strand, the complement: ADAMTS18 is on the minus strand). VCF-style: chr16-77297295-G-A. GRCh37 (hg19) VCF-style: chr16-77331192-G-A.
Other names: c.2279C>T, p.Pro760Leu (NM_001326358.2); c.2795C>T (NM_199355.2); short protein forms P760L, P932L.
Identifiers: ClinVar variation 1045166 (VCV001045166.12), dbSNP rs765223011, ClinGen allele CA8180744.
Genomic context (GRCh38, chr16:77,297,295, plus strand): 5'-AATGAAGGCATACAAGTACAAAACTAAACAAAAAGACACTTCCAAATGACTTACTAAGCC[G>A]GGCAGGAGAAAGCGTTGCAGATTTTGGGCTCAGTTACTGGCTTGGTTTTTGCACTGCAGA-3'
Protein context (NP_955387.1, residues 922-942): EPKICNAFSC[Pro932Leu]AYWMPGEWST

ClinVar aggregate classification (germline): Uncertain significance. Review status: criteria provided, multiple submitters, no conflicts (2 of 4 stars). 2 submissions from 2 submitters: Uncertain significance (2). Last evaluated 2022-12-13.

Conditions:
Inborn genetic diseases. Identifiers: MedGen C0950123, MeSH D030342.

Allele frequency attached by ClinVar (database versions not stated): ExAC 0.00001; gnomAD exomes 0.00002; TOPMed 0.00003.
gnomAD v4.1: 27 of 1,614,106 alleles (0.0017%); highest among the groups gnomAD compares: Admixed American, 0.0033%; no homozygotes.

Submissions (2):

Ambry Genetics
Classification: Uncertain significance for Inborn genetic diseases. Last evaluated: 2022-12-13. Review status: criteria provided, single submitter. Criteria: Ambry Variant Classification Scheme 2023. Collection method: clinical testing. Allele origin: germline.

Labcorp Genetics (formerly Invitae), Labcorp
Classification: Uncertain significance. Last evaluated: 2022-10-25. Review status: criteria provided, single submitter. Criteria: Invitae Variant Classification Sherloc (09022015). Collection method: clinical testing. Allele origin: germline.
Comment: This sequence change replaces proline, which is neutral and non-polar, with leucine, which is neutral and non-polar, at codon 932 of the ADAMTS18 protein (p.Pro932Leu). This variant is present in population databases (rs765223011, gnomAD 0.006%). This variant has not been reported in the literature in individuals affected with ADAMTS18-related conditions. ClinVar contains an entry for this variant (Variation ID: 1045166). Algorithms developed to predict the effect of missense changes on protein structure and function are either unavailable or do not agree on the potential impact of this missense change (SIFT: "Not Available"; PolyPhen-2: "Benign"; Align-GVGD: "Not Available"). In summary, the available evidence is currently insufficient to determine the role of this variant in disease. Therefore, it has been classified as a Variant of Uncertain Significance.